The following is an entry in ClinVar:

NM_001080442.3(SLC38A8):c.1113C>T (p.Ile371=)

Gene: SLC38A8 (solute carrier family 38 member 8; minus strand). Cytogenetic location: 16q23.3.
Variant type: single nucleotide variant.
Coding change: c.1113C>T on transcript NM_001080442.3 (MANE Select); coding-DNA position 1113, C replaced by T.
Protein change: p.Ile371=; no amino-acid change (isoleucine 371 retained).
Molecular consequence: synonymous variant.
Genome position (GRCh38, 1-based): chr16:84,016,568, G>A on the plus strand (C>T on the coding strand, the complement: SLC38A8 is on the minus strand). VCF-style: chr16-84016568-G-A. GRCh37 (hg19) VCF-style: chr16-84050173-G-A.
Identifiers: ClinVar variation 711181 (VCV000711181.11), dbSNP rs113073498, ClinGen allele CA8199780.

ClinVar aggregate classification (germline): Benign/Likely benign. Review status: criteria provided, multiple submitters, no conflicts (2 of 4 stars). 3 submissions from 3 submitters: Benign (1); Likely benign (2). Last evaluated 2026-01-26.

Conditions:
SLC38A8-related disorder. Also called: SLC38A8-related condition.

Allele frequency attached by ClinVar (database versions not stated): 1000 Genomes Project 0.00100; 1000 Genomes Project 30x 0.00141; TOPMed 0.00222; ESP Exome Variant Server 0.00223.
gnomAD v4.1: 575 of 1,614,088 alleles (0.036%); highest among the groups gnomAD compares: African/African-American, 0.67%; 4 homozygotes.

Submissions (3):

Labcorp Genetics (formerly Invitae), Labcorp
Classification: Benign. Last evaluated: 2026-01-26. Review status: criteria provided, single submitter. Criteria: Invitae Variant Classification Sherloc (09022015). Collection method: clinical testing. Allele origin: germline.

PreventionGenetics, part of Exact Sciences
Classification: Likely benign for SLC38A8-related condition. Last evaluated: 2024-12-12. Review status: criteria provided, single submitter. Criteria: ACMG Guidelines, 2015. Collection method: clinical testing. Allele origin: germline.
Comment: This variant is classified as likely benign based on ACMG/AMP sequence variant interpretation guidelines (Richards et al. 2015 PMID: 25741868, with internal and published modifications).

Blueprint Genetics
Classification: Likely benign. Last evaluated: 2024-11-15. Review status: criteria provided, single submitter. Criteria: ACMG Guidelines, 2015. Collection method: clinical testing. Allele origin: germline.